The following is an entry in ClinVar:

NM_000551.4(VHL):c.420C>A (p.Leu140=)

Genes: VHL (von Hippel-Lindau tumor suppressor; plus strand), LOC107303340 (3p25 von Hippel-Lindau tumor suppressor, E3 ubiquitin protein ligase Alu-mediated recombination region; plus strand). Cytogenetic location: 3p25.3.
Variant type: single nucleotide variant.
Coding change: c.420C>A on transcript NM_000551.4 (MANE Select); coding-DNA position 420, C replaced by A.
Protein change: p.Leu140=; no amino-acid change (leucine 140 retained).
Molecular consequence: synonymous variant. On other transcripts: intron variant (2).
Genome position (GRCh38, 1-based): chr3:10,146,593, C>A. VCF-style: chr3-10146593-C-A. GRCh37 (hg19) VCF-style: chr3-10188277-C-A.
Other names: c.*18-3194C>A (NM_001354723.2); c.341-3194C>A (NM_198156.3).
Identifiers: ClinVar variation 381572 (VCV000381572.21), dbSNP rs369465430, ClinGen allele CA16604420.

ClinVar aggregate classification (germline): Benign/Likely benign. Review status: criteria provided, multiple submitters, no conflicts (2 of 4 stars). 7 submissions from 7 submitters: Benign (1); Likely benign (6). Last evaluated 2025-11-19.

Conditions:
VHL-related disorder. Also called: VHL-related condition.
Chuvash polycythemia. Also called: POLYCYTHEMIA, VHL-DEPENDENT. Identifiers: Orphanet 238557, MedGen C1837915, MONDO:0009892, OMIM 263400.
Von Hippel-Lindau syndrome (VHLS). Also called: Von Hippel-Lindau; von Hippel–Lindau syndrome; VHL syndrome. Identifiers: Orphanet 892, MedGen C0019562, MONDO:0008667, OMIM 193300. Disease mechanism: loss of function.
Hereditary cancer-predisposing syndrome. Also called: Neoplastic Syndromes, Hereditary; Tumor predisposition; Hereditary Cancer Syndrome; Hereditary neoplastic syndrome. Identifiers: Orphanet 140162, MedGen C0027672, MeSH D009386, MONDO:0015356.
Nonpapillary renal cell carcinoma. Identifiers: Orphanet 422526, MedGen CN074294, MONDO:0007763, OMIM 144700.
Pheochromocytoma. Also called: MAX-Related Hereditary Paraganglioma-Pheochromocytoma Syndrome. Identifiers: Orphanet 29072, MedGen C0031511, MONDO:0008233, OMIM 171300, HP:0002666.

Allele frequency attached by ClinVar (database versions not stated): gnomAD 0.00003 and 0.00004; TOPMed 0.00006; ESP Exome Variant Server 0.00008.
gnomAD v4.1: 9 of 1,613,886 alleles (0.00056%); highest among the groups gnomAD compares: African/African-American, 0.0093%; no homozygotes.

Submissions (7):

Labcorp Genetics (formerly Invitae), Labcorp
Classification: Likely benign for Von Hippel-Lindau syndrome; Chuvash polycythemia. Last evaluated: 2025-11-19. Review status: criteria provided, single submitter. Criteria: Invitae Variant Classification Sherloc (09022015). Collection method: clinical testing. Allele origin: germline.

Myriad Genetics, Inc.
Classification: Benign for Von Hippel-Lindau syndrome. Last evaluated: 2025-06-12. Review status: criteria provided, single submitter. Criteria: Myriad Autosomal Dominant, Autosomal Recessive and X-Linked Classification Criteria (2023). Collection method: clinical testing. Allele origin: unknown.
Comment: This variant is considered benign. This variant is a silent/synonymous amino acid change and it is not expected to impact splicing.

PreventionGenetics, part of Exact Sciences
Classification: Likely benign for VHL-related condition. Last evaluated: 2024-12-19. Review status: criteria provided, single submitter. Criteria: ACMG Guidelines, 2015. Collection method: clinical testing. Allele origin: germline.
Comment: This variant is classified as likely benign based on ACMG/AMP sequence variant interpretation guidelines (Richards et al. 2015 PMID: 25741868, with internal and published modifications).

All of Us Research Program, National Institutes of Health
Classification: Likely benign for Von Hippel-Lindau syndrome. Last evaluated: 2023-05-31. Review status: criteria provided, single submitter. Criteria: ACMG Guidelines, 2015. Collection method: clinical testing. Allele origin: germline. Inheritance: Autosomal dominant inheritance. Observed: 1 variant allele, 1 heterozygote.
Comment: This study involves interpretation of variants in research participants for the purpose of population health screening. Participant phenotype was not available at the time of variant classification. Additional details can be found in publication PMID: 35346344, PMCID: PMC8962531

Fulgent Genetics
Classification: Likely benign for Nonpapillary renal cell carcinoma; Pheochromocytoma; Von Hippel-Lindau syndrome; Chuvash polycythemia. Last evaluated: 2021-11-02. Review status: criteria provided, single submitter. Criteria: ACMG Guidelines, 2015. Collection method: clinical testing. Allele origin: unknown.

Ambry Genetics
Classification: Likely benign for Hereditary cancer-predisposing syndrome. Last evaluated: 2021-01-08. Review status: criteria provided, single submitter. Criteria: Ambry Variant Classification Scheme 2023. Collection method: clinical testing. Allele origin: germline.

GeneDx
Classification: Likely benign. Last evaluated: 2020-09-15. Review status: criteria provided, single submitter. Criteria: GeneDx Variant Classification Process June 2021. Collection method: clinical testing. Allele origin: germline. Affected: yes.